The following is an entry in ClinVar:

NM_006648.4(WNK2):c.1303T>A (p.Cys435Ser)

Gene: WNK2 (WNK lysine deficient protein kinase 2; plus strand). Cytogenetic location: 9q22.31.
Variant type: single nucleotide variant.
Coding change: c.1303T>A on transcript NM_006648.4 (MANE Select); coding-DNA position 1303, T replaced by A.
Protein change: p.Cys435Ser; replaces cysteine 435 with serine.
Molecular consequence: missense variant.
Genome position (GRCh38, 1-based): chr9:93,238,302, T>A. VCF-style: chr9-93238302-T-A. GRCh37 (hg19) VCF-style: chr9-96000584-T-A.
Other names: c.1303T>A, p.Cys435Ser (NM_001282394.3); short protein forms C435S.
Identifiers: ClinVar variation 3982058 (VCV003982058.1).

ClinVar aggregate classification (germline): Uncertain significance (1 of 4 stars; one submission).

Submission:

Ambry Genetics
Classification: Uncertain significance. Last evaluated: 2025-05-17. Review status: criteria provided, single submitter. Criteria: Ambry Variant Classification Scheme 2023. Collection method: clinical testing. Allele origin: germline.
Comment: The p.C435S variant (also known as c.1303T>A), located in coding exon 5 of the WNK2 gene, results from a T to A substitution at nucleotide position 1303. The cysteine at codon 435 is replaced by serine, an amino acid with dissimilar properties. This amino acid position is conserved. In addition, the in silico prediction for this alteration is inconclusive. Based on the available evidence, the clinical significance of this variant remains unclear.